The following is an entry in ClinVar:

ClinVar aggregate classification (germline): Uncertain significance (1 of 4 stars; one submission).

Allele frequency attached by ClinVar (database versions not stated): gnomAD exomes below 0.00001; ExAC 0.00001; gnomAD 0.00001; 1000 Genomes Project 30x 0.00016; 1000 Genomes Project 0.00020.

Submission:

Labcorp Genetics (formerly Invitae), Labcorp
Classification: Uncertain significance. Last evaluated: 2022-05-18. Review status: criteria provided, single submitter. Criteria: Invitae Variant Classification Sherloc (09022015). Collection method: clinical testing. Allele origin: germline.
Comment: This sequence change replaces glutamic acid, which is acidic and polar, with glutamine, which is neutral and polar, at codon 292 of the COL18A1 protein (p.Glu292Gln). This variant is present in population databases (rs138471288, gnomAD 0.0009%). This variant has not been reported in the literature in individuals affected with COL18A1-related conditions. Experimental studies and prediction algorithms are not available or were not evaluated, and the functional significance of this variant is currently unknown. In summary, the available evidence is currently insufficient to determine the role of this variant in disease. Therefore, it has been classified as a Variant of Uncertain Significance.

NM_001379500.1(COL18A1):c.874G>C (p.Glu292Gln)

Gene: COL18A1 (collagen type XVIII alpha 1 chain; plus strand). Cytogenetic location: 21q22.3.
Variant type: single nucleotide variant.
Coding change: c.874G>C on transcript NM_001379500.1 (MANE Select); coding-DNA position 874, G replaced by C.
Protein change: p.Glu292Gln; replaces glutamic acid 292 with glutamine.
Molecular consequence: missense variant.
Genome position (GRCh38, 1-based): chr21:45,476,426, G>C. VCF-style: chr21-45476426-G-C. GRCh37 (hg19) VCF-style: chr21-46896340-G-C.
Other names: c.1414G>C, p.Glu472Gln (NM_030582.4); c.2119G>C, p.Glu707Gln (NM_130444.3); short protein forms E472Q, E292Q, E707Q.
Identifiers: ClinVar variation 1995924 (VCV001995924.4), dbSNP rs138471288, ClinGen allele CA10065974.
Genomic context (GRCh38, chr21:45,476,426, plus strand): 5'-CCCAGGCTCCCCGCGCCACCCCCCGTCACCACGCCACCCTTGGCTGGAGGCAGCAGCACG[G>C]AAGATTCCAGAAGTGAAGAAGTCGAGGAGCAGACCACGGTGGCTTCGTTAGGAGGTAAGC-3'
Protein context (NP_001366429.1, residues 282-302): TPPLAGGSST[Glu292Gln]DSRSEEVEEQ